The following is an entry in ClinVar:

NM_000092.5(COL4A4):c.3413del (p.Pro1138fs)

Gene: COL4A4 (collagen type IV alpha 4 chain; minus strand). Cytogenetic location: 2q36.3.
Variant type: Deletion.
Coding change: c.3413del on transcript NM_000092.5 (MANE Select); coding-DNA position 3413, one base deleted (C; older notation c.3413delC).
Protein change: p.Pro1138fs; shifts the reading frame from proline 1138.
Molecular consequence: frameshift variant.
Genome position (GRCh38, 1-based): chr2:227,042,240, G deleted on the plus strand (C on the coding strand, the reverse complement: COL4A4 is on the minus strand); the first of 2 consecutive G bases (chr2:227,042,240-227,042,241); deleting either gives the same sequence. VCF-style (leftmost placement, unchanged base first): chr2-227042239-AG-A. GRCh37 (hg19) VCF-style: chr2-227906955-AG-A.
Other names: short protein forms P1138fs.
Identifiers: ClinVar variation 5013251 (VCV005013251.1).
Genomic context (GRCh38, chr2:227,042,239, plus strand): 5'-ATCCCCCTGGAGGCCTCTTGGCCCAGGGTCTCCCATTTCTCCTGGCTGTCCCCTCAGCCC[AG>A]GCATCCCGTGATCACCTGAGGATGACAGGGAAGTTTTGCAGATGGCCAGATAATAAATGA-3'

ClinVar aggregate classification (germline): Pathogenic (1 of 4 stars; one submission).

Conditions:
Alport syndrome. Also called: Hemorrhagic familial nephritis; Hemorrhagic hereditary nephritis; Congenital hereditary hematuria. Identifiers: Orphanet 63, MedGen C1567741, MONDO:0018965.

Submission:

Myriad Genetics, Inc.
Classification: Pathogenic for Alport syndrome. Last evaluated: 2024-06-29. Review status: criteria provided, single submitter. Criteria: Myriad Autosomal Dominant, Autosomal Recessive and X-Linked Classification Criteria (2023). Collection method: clinical testing. Allele origin: unknown.
Comment: NM_000092.4(COL4A4):c.3413delC(P1138Lfs*3) is expected to be pathogenic in the context of Alport syndrome, COL4A4-related. This variant is predicted to lead to an abnormal or absent protein product due to the creation of a premature termination codon in COL4A4, a gene where loss-of-function variants are known to be pathogenic. Please note: this variant was assessed in the context of healthy population screening.